The following is an entry in ClinVar:

NM_000316.3(PTH1R):c.1459G>C (p.Ala487Pro)

Gene: PTH1R (parathyroid hormone 1 receptor; plus strand). Cytogenetic location: 3p21.31.
Variant type: single nucleotide variant.
Coding change: c.1459G>C on transcript NM_000316.3 (MANE Select); coding-DNA position 1459, G replaced by C.
Protein change: p.Ala487Pro; replaces alanine 487 with proline.
Molecular consequence: missense variant.
Genome position (GRCh38, 1-based): chr3:46,903,333, G>C. VCF-style: chr3-46903333-G-C. GRCh37 (hg19) VCF-style: chr3-46944823-G-C.
Other names: c.1459G>C, p.Ala487Pro (NM_001184744.1); short protein forms A487P.
Identifiers: ClinVar variation 2854452 (VCV002854452.3), dbSNP rs2545053428, ClinGen allele CA352503620.

ClinVar aggregate classification (germline): Uncertain significance (1 of 4 stars; one submission).

Submission:

Labcorp Genetics (formerly Invitae), Labcorp
Classification: Uncertain significance. Last evaluated: 2023-04-09. Review status: criteria provided, single submitter. Criteria: Invitae Variant Classification Sherloc (09022015). Collection method: clinical testing. Allele origin: germline.
Comment: In summary, the available evidence is currently insufficient to determine the role of this variant in disease. Therefore, it has been classified as a Variant of Uncertain Significance. Advanced modeling of protein sequence and biophysical properties (such as structural, functional, and spatial information, amino acid conservation, physicochemical variation, residue mobility, and thermodynamic stability) performed at Invitae indicates that this missense variant is not expected to disrupt PTH1R protein function. This variant has not been reported in the literature in individuals affected with PTH1R-related conditions. This variant is not present in population databases (gnomAD no frequency). This sequence change replaces alanine, which is neutral and non-polar, with proline, which is neutral and non-polar, at codon 487 of the PTH1R protein (p.Ala487Pro).